The following is an entry in ClinVar:

NM_022436.3(ABCG5):c.225C>G (p.Tyr75Ter)

Gene: ABCG5 (ATP binding cassette subfamily G member 5; minus strand). Cytogenetic location: 2p21.
Variant type: single nucleotide variant.
Coding change: c.225C>G on transcript NM_022436.3 (MANE Select); coding-DNA position 225, C replaced by G.
Protein change: p.Tyr75Ter; replaces tyrosine 75 with a stop codon.
Molecular consequence: nonsense.
Genome position (GRCh38, 1-based): chr2:43,837,874, G>C on the plus strand (C>G on the coding strand, the complement: ABCG5 is on the minus strand). VCF-style: chr2-43837874-G-C. GRCh37 (hg19) VCF-style: chr2-44065013-G-C.
Other names: short protein forms Y75*.
Identifiers: ClinVar variation 4146535 (VCV004146535.1).

ClinVar aggregate classification (germline): Pathogenic (1 of 4 stars; one submission).

Conditions:
Cardiovascular phenotype. Identifiers: MedGen CN230736.

gnomAD v4.1: 14 of 1,613,958 alleles (0.00087%); highest among the groups gnomAD compares: Non-Finnish European, 0.0012%; no homozygotes.

Submission:

Ambry Genetics
Classification: Pathogenic for Cardiovascular phenotype. Last evaluated: 2025-07-10. Review status: criteria provided, single submitter. Criteria: Ambry Variant Classification Scheme 2023. Collection method: clinical testing. Allele origin: germline.
Comment: The p.Y75* pathogenic mutation (also known as c.225C>G), located in coding exon 2 of the ABCG5 gene, results from a C to G substitution at nucleotide position 225. This changes the amino acid from a tyrosine to a stop codon within coding exon 2. This variant is considered to be rare based on population cohorts in the Genome Aggregation Database (gnomAD). This alteration is expected to result in loss of function by premature protein truncation or nonsense-mediated mRNA decay. As such, this alteration is interpreted as a disease-causing mutation.